The following is an entry in ClinVar:

NM_024312.5(GNPTAB):c.1269C>T (p.His423=)

Gene: GNPTAB (N-acetylglucosamine-1-phosphate transferase subunits alpha and beta; minus strand). Cytogenetic location: 12q23.2.
Variant type: single nucleotide variant.
Coding change: c.1269C>T on transcript NM_024312.5 (MANE Select); coding-DNA position 1269, C replaced by T.
Protein change: p.His423=; no amino-acid change (histidine 423 retained).
Molecular consequence: synonymous variant.
Genome position (GRCh38, 1-based): chr12:101,770,036, G>A on the plus strand (C>T on the coding strand, the complement: GNPTAB is on the minus strand). VCF-style: chr12-101770036-G-A. GRCh37 (hg19) VCF-style: chr12-102163814-G-A.
Identifiers: ClinVar variation 306810 (VCV000306810.17), dbSNP rs111863978, ClinGen allele CA6746675.

ClinVar aggregate classification (germline): Conflicting classifications of pathogenicity. Review status: criteria provided, conflicting classifications (1 of 4 stars). 4 submissions from 3 submitters: Uncertain significance (2); Likely benign (1). 1 of the submissions does not count toward it. Last evaluated 2026-01-14.

Conditions:
Mucolipidosis type II. Also called: Mucolipidosis II Alpha/Beta; ML II ALPHA/BETA; Mucolipidosis 2; ML 2; Inclusion cell disease; Leroy Disease. Identifiers: Orphanet 576, MedGen C2673377, MONDO:0009650, OMIM 252500.
Pseudo-Hurler polydystrophy. Also called: MUCOLIPIDOSIS IIIA; ML IIIA; Mucolipidosis III Alpha/Beta; ML III; ML III ALPHA/BETA; Type III Mucolipidosis. Identifiers: Orphanet 423461, Orphanet 577, MedGen C0033788, MONDO:0018931, OMIM 252600.
GNPTAB-Related Disorders. Also called: GNPTAB-related disorder; GNPTAB-related condition. Identifiers: MedGen CN381523.

Allele frequency attached by ClinVar (database versions not stated): gnomAD exomes 0.00008 and 0.00005; gnomAD 0.00036 and 0.00040; 1000 Genomes Project 30x 0.00031; TOPMed 0.00034; ExAC 0.00008; ESP Exome Variant Server 0.00038; 1000 Genomes Project 0.00040.
gnomAD v4.1: 143 of 1,614,088 alleles (0.0089%); highest among the groups gnomAD compares: African/African-American, 0.14%; no homozygotes.

Submissions (4):

Labcorp Genetics (formerly Invitae), Labcorp
Classification: Likely benign for Pseudo-Hurler polydystrophy; Mucolipidosis type II. Last evaluated: 2026-01-14. Review status: criteria provided, single submitter. Criteria: Invitae Variant Classification Sherloc (09022015). Collection method: clinical testing. Allele origin: germline.

Illumina Laboratory Services, Illumina
Classification: Uncertain significance for Mucolipidosis type II. Last evaluated: 2018-01-13. Review status: criteria provided, single submitter. Criteria: ICSL Variant Classification Criteria 13 December 2019. Collection method: clinical testing. Allele origin: germline.

Illumina Laboratory Services, Illumina
Classification: Uncertain significance for Pseudo-Hurler polydystrophy. Last evaluated: 2018-01-13. Review status: criteria provided, single submitter. Criteria: ICSL Variant Classification Criteria 13 December 2019. Collection method: clinical testing. Allele origin: germline.

PreventionGenetics, part of Exact Sciences
Classification: Likely benign for GNPTAB-related condition. Last evaluated: 2019-06-06. Review status: no assertion criteria provided. Collection method: clinical testing. Allele origin: germline. Not counted in ClinVar's aggregate classification.
Comment: This variant is classified as likely benign based on ACMG/AMP sequence variant interpretation guidelines (Richards et al. 2015 PMID: 25741868, with internal and published modifications).